The following is an entry in ClinVar:

NM_001184.4(ATR):c.6718A>G (p.Ser2240Gly)

Gene: ATR (ATR checkpoint kinase; minus strand). Cytogenetic location: 3q23.
Variant type: single nucleotide variant.
Coding change: c.6718A>G on transcript NM_001184.4 (MANE Select); coding-DNA position 6718, A replaced by G.
Protein change: p.Ser2240Gly; replaces serine 2240 with glycine.
Molecular consequence: missense variant.
Genome position (GRCh38, 1-based): chr3:142,466,503, T>C on the plus strand (A>G on the coding strand, the complement: ATR is on the minus strand). VCF-style: chr3-142466503-T-C. GRCh37 (hg19) VCF-style: chr3-142185345-T-C.
Other names: c.6526A>G, p.Ser2176Gly (NM_001354579.2); short protein forms S2176G, S2240G.
Identifiers: ClinVar variation 1755073 (VCV001755073.2), dbSNP rs2473060652, ClinGen allele CA354802199.

ClinVar aggregate classification (germline): Uncertain significance (1 of 4 stars; one submission).

Conditions:
Inborn genetic diseases. Identifiers: MedGen C0950123, MeSH D030342.

Submission:

Ambry Genetics
Classification: Uncertain significance for Inborn genetic diseases. Last evaluated: 2022-03-19. Review status: criteria provided, single submitter. Criteria: Ambry Variant Classification Scheme 2023. Collection method: clinical testing. Allele origin: germline.
Comment: The p.S2240G variant (also known as c.6718A>G), located in coding exon 40 of the ATR gene, results from an A to G substitution at nucleotide position 6718. The serine at codon 2240 is replaced by glycine, an amino acid with similar properties. This amino acid position is conserved. In addition, this alteration is predicted to be tolerated by in silico analysis. Since supporting evidence is limited at this time, the clinical significance of this alteration remains unclear.